The following is an entry in ClinVar:

NM_020964.3(EPG5):c.3055A>G (p.Ile1019Val)

Gene: EPG5 (ectopic P-granules 5 autophagy tethering factor; minus strand). Cytogenetic location: 18q21.1.
Variant type: single nucleotide variant.
Coding change: c.3055A>G on transcript NM_020964.3 (MANE Select); coding-DNA position 3055, A replaced by G.
Protein change: p.Ile1019Val; replaces isoleucine 1019 with valine.
Molecular consequence: missense variant.
Genome position (GRCh38, 1-based): chr18:45,922,384, T>C on the plus strand (A>G on the coding strand, the complement: EPG5 is on the minus strand). VCF-style: chr18-45922384-T-C. GRCh37 (hg19) VCF-style: chr18-43502350-T-C.
Other names: short protein forms I1019V.
Identifiers: ClinVar variation 950443 (VCV000950443.13), dbSNP rs373402310, ClinGen allele CA8949278.
Genomic context (GRCh38, chr18:45,922,384, plus strand): 5'-TCAGCCCAACACTGTACCTGTGGCCCACAGCTGTCATAGATAAGGCTAGATAACAGCCAA[T>C]GGGCATGCCCGCTTTCACAGCCTTCAAGAGAGGATGAAACGTGGGTGACTCTGTCATGTC-3'
Protein context (NP_066015.2, residues 1009-1029): LLKAVKAGMP[Ile1019Val]GCYLALSMTA

ClinVar aggregate classification (germline): Uncertain significance. Review status: criteria provided, multiple submitters, no conflicts (2 of 4 stars). 4 submissions from 4 submitters: Uncertain significance (4). Last evaluated 2025-10-29.

Conditions:
Inborn genetic diseases. Identifiers: MedGen C0950123, MeSH D030342.
Vici syndrome (VICIS). Identifiers: Orphanet 1493, MedGen C1855772, MONDO:0009452, OMIM 242840.

Allele frequency attached by ClinVar (database versions not stated): gnomAD exomes 0.00001 and 0.00003; gnomAD 0.00019 and 0.00020; ESP Exome Variant Server 0.00008; 1000 Genomes Project 0.00020; 1000 Genomes Project 30x 0.00031; ExAC 0.00002; TOPMed 0.00016.
gnomAD v4.1: 39 of 1,614,184 alleles (0.0024%); highest among the groups gnomAD compares: African/African-American, 0.048%; no homozygotes.

Submissions (4):

Dasa
Classification: Uncertain significance. Last evaluated: 2025-10-29. Review status: criteria provided, single submitter. Criteria: DASA Assertion Criteria. Collection method: clinical testing. Allele origin: germline.
Comment: NM_020964.3(EPG5):c.3055A>G (p.Ile1019Val) is a missense variant that results in the substitution of isoleucine with valine. This variant is rare in population databases. Computational prediction algorithms are consistent with a benign effect. The currently available literature and clinical evidence are not sufficient to establish a definitive association between this variant and the reported condition. Therefore, this variant is classified as a variant of uncertain significance.

Ambry Genetics
Classification: Uncertain significance for Inborn genetic diseases. Last evaluated: 2025-01-16. Review status: criteria provided, single submitter. Criteria: Ambry Variant Classification Scheme 2023. Collection method: clinical testing. Allele origin: germline.

Labcorp Genetics (formerly Invitae), Labcorp
Classification: Uncertain significance for Vici syndrome. Last evaluated: 2024-11-18. Review status: criteria provided, single submitter. Criteria: Invitae Variant Classification Sherloc (09022015). Collection method: clinical testing. Allele origin: germline.
Comment: This sequence change replaces isoleucine, which is neutral and non-polar, with valine, which is neutral and non-polar, at codon 1019 of the EPG5 protein (p.Ile1019Val). This variant is present in population databases (rs373402310, gnomAD 0.07%). This variant has not been reported in the literature in individuals affected with EPG5-related conditions. ClinVar contains an entry for this variant (Variation ID: 950443). Invitae Evidence Modeling of protein sequence and biophysical properties (such as structural, functional, and spatial information, amino acid conservation, physicochemical variation, residue mobility, and thermodynamic stability) indicates that this missense variant is not expected to disrupt EPG5 protein function with a negative predictive value of 80%. In summary, the available evidence is currently insufficient to determine the role of this variant in disease. Therefore, it has been classified as a Variant of Uncertain Significance.

Women's Health and Genetics/Laboratory Corporation of America, LabCorp
Classification: Uncertain significance. Last evaluated: 2024-04-04. Review status: criteria provided, single submitter. Criteria: LabCorp Variant Classification Summary - May 2015. Collection method: clinical testing. Allele origin: germline.
Comment: Variant summary: EPG5 c.3055A>G (p.Ile1019Val) results in a conservative amino acid change in the encoded protein sequence. Three of five in-silico tools predict a benign effect of the variant on protein function. The variant allele was found at a frequency of 2.8e-05 in 249556 control chromosomes. The available data on variant occurrences in the general population are insufficient to allow any conclusion about variant significance. To our knowledge, no occurrence of c.3055A>G in individuals affected with Vici Syndrome and no experimental evidence demonstrating its impact on protein function have been reported. ClinVar contains an entry for this variant (Variation ID: 950443). Based on the evidence outlined above, the variant was classified as uncertain significance.